The following is an entry in ClinVar:

ClinVar aggregate classification (germline): Uncertain significance. Review status: criteria provided, single submitter (1 of 4 stars). 2 submissions from 2 submitters: Uncertain significance (1). 1 of the submissions does not count toward it. Last evaluated 2021-08-24.

Conditions:
FANCA-related disorder. Also called: FANCA-related condition.
Fanconi anemia (FA). Also called: Fanconi's anemia. Identifiers: Orphanet 84, MedGen C0015625, MeSH D005199, MONDO:0019391.

Allele frequency attached by ClinVar (database versions not stated): ExAC 0.00002; gnomAD exomes 0.00001.
gnomAD v4.1: 2 of 1,614,158 alleles (0.00012%); highest among the groups gnomAD compares: Non-Finnish European, 0.00017%; no homozygotes.

Submissions (2):

Labcorp Genetics (formerly Invitae), Labcorp
Classification: Uncertain significance for Fanconi anemia. Last evaluated: 2021-08-24. Review status: criteria provided, single submitter. Criteria: Invitae Variant Classification Sherloc (09022015). Collection method: clinical testing. Allele origin: germline.
Comment: This sequence change replaces leucine with valine at codon 871 of the FANCA protein (p.Leu871Val). The leucine residue is weakly conserved and there is a small physicochemical difference between leucine and valine. This variant is present in population databases (rs779617838, ExAC 0.01%). This variant has not been reported in the literature in individuals affected with FANCA-related conditions. Algorithms developed to predict the effect of missense changes on protein structure and function output the following: SIFT: "Tolerated"; PolyPhen-2: "Benign"; Align-GVGD: "Class C0". The valine amino acid residue is found in multiple mammalian species, which suggests that this missense change does not adversely affect protein function. In summary, the available evidence is currently insufficient to determine the role of this variant in disease. Therefore, it has been classified as a Variant of Uncertain Significance.

PreventionGenetics, part of Exact Sciences
Classification: Uncertain significance for FANCA-related condition. Last evaluated: 2024-04-25. Review status: no assertion criteria provided. Collection method: clinical testing. Allele origin: germline. Not counted in ClinVar's aggregate classification.
Comment: The FANCA c.2611C>G variant is predicted to result in the amino acid substitution p.Leu871Val. To our knowledge, this variant has not been reported in the literature. This variant is reported in 0.0054% of alleles in individuals of East Asian descent in gnomAD. This variant is interpreted as a variant of uncertain significance in ClinVar. At this time, the clinical significance of this variant is uncertain due to the absence of conclusive functional and genetic evidence.

NM_000135.4(FANCA):c.2611C>G (p.Leu871Val)

Genes: FANCA (FA complementation group A; minus strand), LOC130059837 (ATAC-STARR-seq lymphoblastoid active region 11420; plus strand). Cytogenetic location: 16q24.3.
Variant type: single nucleotide variant.
Coding change: c.2611C>G on transcript NM_000135.4 (MANE Select); coding-DNA position 2611, C replaced by G.
Protein change: p.Leu871Val; replaces leucine 871 with valine.
Molecular consequence: missense variant.
Genome position (GRCh38, 1-based): chr16:89,765,057, G>C on the plus strand (C>G on the coding strand, the complement: FANCA is on the minus strand). VCF-style: chr16-89765057-G-C. GRCh37 (hg19) VCF-style: chr16-89831465-G-C.
Other names: c.2611C>G, p.Leu871Val (NM_001286167.3); short protein forms L871V.
Identifiers: ClinVar variation 939055 (VCV000939055.8), dbSNP rs779617838, ClinGen allele CA8251617.